The following is an entry in ClinVar:

NM_003036.4(SKI):c.1756A>G (p.Ser586Gly)

Gene: SKI (SKI proto-oncogene; plus strand). Cytogenetic location: 1p36.32.
Variant type: single nucleotide variant.
Coding change: c.1756A>G on transcript NM_003036.4 (MANE Select); coding-DNA position 1756, A replaced by G.
Protein change: p.Ser586Gly; replaces serine 586 with glycine.
Molecular consequence: missense variant.
Genome position (GRCh38, 1-based): chr1:2,304,574, A>G. VCF-style: chr1-2304574-A-G. GRCh37 (hg19) VCF-style: chr1-2236013-A-G.
Other names: short protein forms S586G.
Identifiers: ClinVar variation 4824963 (VCV004824963.1).

ClinVar aggregate classification (germline): Uncertain significance (1 of 4 stars; one submission).

Conditions:
Familial thoracic aortic aneurysm and aortic dissection (TAAD). Also called: Thoracic aortic aneurysms and dissections. Identifiers: Orphanet 91387, MedGen C4707243, MONDO:0019625.

Submission:

Ambry Genetics
Classification: Uncertain significance for Familial thoracic aortic aneurysm and aortic dissection. Last evaluated: 2026-02-19. Review status: criteria provided, single submitter. Criteria: Ambry Variant Classification Scheme 2023. Collection method: clinical testing. Allele origin: germline.
Comment: The p.S586G variant (also known as c.1756A>G), located in coding exon 5 of the SKI gene, results from an A to G substitution at nucleotide position 1756. The serine at codon 586 is replaced by glycine, an amino acid with similar properties. This amino acid position is highly conserved in available vertebrate species. In addition, the in silico prediction for this alteration is inconclusive. Based on the available evidence, the clinical significance of this variant remains unclear.